The following is an entry in ClinVar:

NM_000093.5(COL5A1):c.4351C>T (p.Leu1451Phe)

Gene: COL5A1 (collagen type V alpha 1 chain; plus strand). Cytogenetic location: 9q34.3.
Variant type: single nucleotide variant.
Coding change: c.4351C>T on transcript NM_000093.5 (MANE Select); coding-DNA position 4351, C replaced by T.
Protein change: p.Leu1451Phe; replaces leucine 1451 with phenylalanine.
Molecular consequence: missense variant.
Genome position (GRCh38, 1-based): chr9:134,818,860, C>T. VCF-style: chr9-134818860-C-T. GRCh37 (hg19) VCF-style: chr9-137710706-C-T.
Other names: c.4351C>T, p.Leu1451Phe (NM_001278074.1); short protein forms L1451F.
Identifiers: ClinVar variation 2418482 (VCV002418482.9), dbSNP rs369740453, ClinGen allele CA201097014.
Genomic context (GRCh38, chr9:134,818,860, plus strand): 5'-GGAGGGACGGGGGACCAGCAACTCATGCAGAGCGTCTCTGTGTTTCAGGGAGAACAAGGT[C>T]TCCCAGGATCCCCAGGCCCGGACGGTCCCCCCGGCCCCATGGTGAGTCACATTCCTCATG-3'
Protein context (NP_000084.3, residues 1441-1461): GIPGPVGEQG[Leu1451Phe]PGSPGPDGPP

ClinVar aggregate classification (germline): Uncertain significance (1 of 4 stars; one submission).

Conditions:
Ehlers-Danlos syndrome, classic type, 1 (EDSCL1). Also called: EDS I; EHLERS-DANLOS SYNDROME, GRAVIS TYPE; EHLERS-DANLOS SYNDROME, SEVERE CLASSIC TYPE; Ehlers-Danlos syndrome, type 1; Ehlers-Danlos Syndrome, Classic Type, COL5A1-Related. Identifiers: MedGen C0268335, MONDO:0019567, OMIM 130000.

Submission:

Labcorp Genetics (formerly Invitae), Labcorp
Classification: Uncertain significance for Ehlers-Danlos syndrome, classic type, 1. Last evaluated: 2022-06-13. Review status: criteria provided, single submitter. Criteria: Invitae Variant Classification Sherloc (09022015). Collection method: clinical testing. Allele origin: germline.
Comment: In summary, the available evidence is currently insufficient to determine the role of this variant in disease. Therefore, it has been classified as a Variant of Uncertain Significance. Advanced modeling of protein sequence and biophysical properties (such as structural, functional, and spatial information, amino acid conservation, physicochemical variation, residue mobility, and thermodynamic stability) performed at Invitae indicates that this missense variant is not expected to disrupt COL5A1 protein function. This variant has not been reported in the literature in individuals affected with COL5A1-related conditions. This variant is not present in population databases (gnomAD no frequency). This sequence change replaces leucine, which is neutral and non-polar, with phenylalanine, which is neutral and non-polar, at codon 1451 of the COL5A1 protein (p.Leu1451Phe).